The following is an entry in ClinVar:

NM_017780.4(CHD7):c.3522+1del

Gene: CHD7 (chromodomain helicase DNA binding protein 7; plus strand). Cytogenetic location: 8q12.2.
Variant type: Deletion.
Coding change: c.3522+1del on transcript NM_017780.4 (MANE Select); the canonical splice donor site of the intron after coding-DNA position 3522, one base deleted (G; older notation c.3522+1delG).
Molecular consequence: splice donor variant. On other transcripts: intron variant (1).
Genome position (GRCh38, 1-based): chr8:60,828,807, G deleted; the last of 2 consecutive G bases (chr8:60,828,806-60,828,807); deleting either gives the same sequence. VCF-style (leftmost placement, unchanged base first): chr8-60828805-AG-A. GRCh37 (hg19) VCF-style: chr8-61741364-AG-A.
Other names: c.3522+1delG (NM_017780.2); c.1717-33422del (NM_001316690.1).
Identifiers: ClinVar variation 423133 (VCV000423133.2), dbSNP rs1064796255, ClinGen allele CA16618665.

ClinVar aggregate classification (germline): Likely pathogenic (1 of 4 stars; one submission).

Submission:

GeneDx
Classification: Likely pathogenic. Last evaluated: 2017-01-17. Review status: criteria provided, single submitter. Criteria: GeneDx Variant Classification (06012015). Collection method: clinical testing. Allele origin: germline. Affected: yes.
Comment: The c.3522+1delG variant has not been published as a pathogenic variant, nor has it been reported as a benign variant to our knowledge. The c.3522+1delG variant was not observed in approximately 5900 individuals of European and African American ancestry in the NHLBI Exome Sequencing Project, indicating it is not a common benign variant in these populations. Several in-silico splice prediction models predict that c.3522+1delG destroys the splice donor site of intron 14 which may lead to abnormal gene splicing. Other nucleotide substitutions of the canonical splice donor site of intron 14 (c.3522+2 T>C, c.3522+2 T>G) have been reported in the Human Gene Mutation Database in association with CHARGE syndrome (Stenson et al., 2014). However, in the absence of RNA/functional studies, the actual effect of this sequence change in this individual is unknown. Therefore, this variant is likely pathogenic; however, the possibility that it is benign cannot be excluded. This variant has been observed apparently de novo.